The following is an entry in ClinVar:

ClinVar aggregate classification (germline): Likely pathogenic (1 of 4 stars; one submission).

Conditions:
Schaaf-Yang syndrome (SHFYNG). Also called: MAGEL2-related Prader-Willi-like syndrome; Arthrogryposis, distal, with hypopituitarism, intellectual disability, and facial anomalies. Identifiers: Orphanet 398069, MedGen C5575066, MONDO:0014243, OMIM 615547.

Submission:

Breakthrough Genomics
Classification: Likely pathogenic for Schaaf-Yang syndrome. Last evaluated: 2021-01-15. Review status: criteria provided, single submitter. Criteria: ACMG Guidelines, 2015. Collection method: clinical testing. Allele origin: germline. Affected: yes.
Comment: This variant is predicted to cause a premature termination of the protein (p. Gln662Ter) and the resultant protein will likely to lack a part of the proline-rich region and MAGE domain of the protein; this will likely result in loss-of-function (LOF). It is previously reported that LOF truncating variants inherited from the paternal allele is a known mechanism for causing the disease in MAGEL2 gene. [PMID: 31791363]. The variant seems to be a novel variant, as it has not been previously reported in population databases or in the literature.

NM_019066.5(MAGEL2):c.1984C>T (p.Gln662Ter)

Gene: MAGEL2 (MAGE family member L2; minus strand). Cytogenetic location: 15q11.2.
Variant type: single nucleotide variant.
Coding change: c.1984C>T on transcript NM_019066.5 (MANE Select); coding-DNA position 1984, C replaced by T.
Protein change: p.Gln662Ter; replaces glutamine 662 with a stop codon.
Molecular consequence: nonsense.
Genome position (GRCh38, 1-based): chr15:23,645,759, G>A on the plus strand (C>T on the coding strand, the complement: MAGEL2 is on the minus strand). VCF-style: chr15-23645759-G-A. GRCh37 (hg19) VCF-style: chr15-23890906-G-A.
Other names: p.Gln662Ter; short protein forms Q662*.
Identifiers: ClinVar variation 3255604 (VCV003255604.2).